The following is an entry in ClinVar:

NM_000285.4(PEPD):c.1310G>T (p.Arg437Leu)

Gene: PEPD (peptidase D; minus strand). Cytogenetic location: 19q13.11.
Variant type: single nucleotide variant.
Coding change: c.1310G>T on transcript NM_000285.4 (MANE Select); coding-DNA position 1310, G replaced by T.
Protein change: p.Arg437Leu; replaces arginine 437 with leucine.
Molecular consequence: missense variant.
Genome position (GRCh38, 1-based): chr19:33,387,924, C>A on the plus strand (G>T on the coding strand, the complement: PEPD is on the minus strand). VCF-style: chr19-33387924-C-A. GRCh37 (hg19) VCF-style: chr19-33878830-C-A.
Other names: c.1187G>T, p.Arg396Leu (NM_001166056.2); c.1118G>T, p.Arg373Leu (NM_001166057.2); short protein forms R373L, R396L, R437L.
Identifiers: ClinVar variation 1715842 (VCV001715842.5), dbSNP rs373297406, ClinGen allele CA405220227.

ClinVar aggregate classification (germline): Uncertain significance (1 of 4 stars; one submission).

Submission:

Labcorp Genetics (formerly Invitae), Labcorp
Classification: Uncertain significance. Last evaluated: 2023-12-11. Review status: criteria provided, single submitter. Criteria: Invitae Variant Classification Sherloc (09022015). Collection method: clinical testing. Allele origin: germline.
Comment: This sequence change replaces arginine, which is basic and polar, with leucine, which is neutral and non-polar, at codon 437 of the PEPD protein (p.Arg437Leu). This variant is not present in population databases (gnomAD no frequency). This variant has not been reported in the literature in individuals affected with PEPD-related conditions. ClinVar contains an entry for this variant (Variation ID: 1715842). An algorithm developed to predict the effect of missense changes on protein structure and function (PolyPhen-2) suggests that this variant is likely to be tolerated. In summary, the available evidence is currently insufficient to determine the role of this variant in disease. Therefore, it has been classified as a Variant of Uncertain Significance.